The following is an entry in ClinVar:

NM_000883.4(IMPDH1):c.1057G>A (p.Val353Ile)

Gene: IMPDH1 (inosine monophosphate dehydrogenase 1; minus strand). Cytogenetic location: 7q32.1.
Variant type: single nucleotide variant.
Coding change: c.1057G>A on transcript NM_000883.4 (MANE Select); coding-DNA position 1057, G replaced by A.
Protein change: p.Val353Ile; replaces valine 353 with isoleucine.
Molecular consequence: missense variant.
Genome position (GRCh38, 1-based): chr7:128,398,431, C>T on the plus strand (G>A on the coding strand, the complement: IMPDH1 is on the minus strand). VCF-style: chr7-128398431-C-T. GRCh37 (hg19) VCF-style: chr7-128038485-C-T.
Other names: c.1027G>A, p.Val343Ile (NM_001102605.2); c.802G>A, p.Val268Ile (NM_001142573.2); c.787G>A, p.Val263Ile (NM_001142574.2); c.727G>A, p.Val243Ile (NM_001142575.2); c.958G>A, p.Val320Ile (NM_001142576.2); c.850G>A, p.Val284Ile (NM_001304521.2); c.949G>A, p.Val317Ile (NM_183243.3); c.1057G>A (NM_000883.3); short protein forms V268I, V243I, V263I, V317I, V320I, V343I, V353I, V284I.
Identifiers: ClinVar variation 14835 (VCV000014835.6), dbSNP rs121912551, ClinGen allele CA257377.
Genomic context (GRCh38, chr7:128,398,431, plus strand): 5'-AACCACTCATCCATCTCCCCCACCACTCAGGCGGGGGCCTTACCAAGACTATGACGTCGA[C>T]GCCCGCCTGGGTGAGCAGGTCCAGACGGTATTTGTCATCCTCACGGGTGCCCACAGCTGC-3'
Protein context (NP_000874.2, residues 343-363): YRLDLLTQAG[Val353Ile]DVIVLDSSQG

ClinVar aggregate classification (germline): Uncertain significance. Review status: criteria provided, multiple submitters, no conflicts (2 of 4 stars). 3 submissions from 3 submitters: Uncertain significance (2). 1 of the submissions does not count toward it. Last evaluated 2026-07-13.

Conditions:
IMPDH1-related disorder. Also called: IMPDH1-related condition; IMPDH1-related disorders.
Retinitis pigmentosa 10 (RP10). Identifiers: Orphanet 791, MedGen C1867299, MONDO:0008379, OMIM 180105.

Allele frequency attached by ClinVar (database versions not stated): ExAC 0.00003; gnomAD exomes 0.00005 and 0.00006; gnomAD 0.00006; TOPMed 0.00007.
gnomAD v4.1: 106 of 1,613,166 alleles (0.0066%); highest among the groups gnomAD compares: Non-Finnish European, 0.0074%; no homozygotes.

Submissions (3):

PreventionGenetics, part of Exact Sciences
Classification: Uncertain significance for IMPDH1-related condition. Last evaluated: 2026-07-13. Review status: criteria provided, single submitter. Criteria: ACMG Guidelines, 2015. Collection method: clinical testing. Allele origin: germline.
Comment: The IMPDH1 c.1057G>A variant is predicted to result in the amino acid substitution p.Val353Ile. This variant has been reported in individuals with retinitis pigmentosa (variant also known as p.Val268Ile in Bowne et al. 2002. PubMed ID: 11875050; Wang et al. 2014. PubMed ID: 25097241); however, causative variants in another gene were also identified in one of these individuals (Wang et al. 2014. PubMed ID: 25097241). This variant is reported in 0.0086% of alleles in individuals of European (Non-Finnish) descent in gnomAD. In addition, in gnomAD v4 (available only on GRCh38), this variant is reported in >100 alleles. This population data is not consistent with this variant being a primary cause of disease. While this variant may be benign, at this time, the clinical significance of this variant is uncertain due to the absence of conclusive functional and genetic evidence.

Labcorp Genetics (formerly Invitae), Labcorp
Classification: Uncertain significance. Last evaluated: 2024-06-04. Review status: criteria provided, single submitter. Criteria: Invitae Variant Classification Sherloc (09022015). Collection method: clinical testing. Allele origin: germline.
Comment: This sequence change replaces valine, which is neutral and non-polar, with isoleucine, which is neutral and non-polar, at codon 353 of the IMPDH1 protein (p.Val353Ile). This variant is present in population databases (rs121912551, gnomAD 0.008%). This missense change has been observed in individual(s) with retinitis pigmentosa (PMID: 11875050). This variant is also known as V268I. ClinVar contains an entry for this variant (Variation ID: 14835). An algorithm developed to predict the effect of missense changes on protein structure and function (PolyPhen-2) suggests that this variant is likely to be tolerated. Experimental studies have shown that this missense change affects IMPDH1 function (PMID: 15882147). In summary, the available evidence is currently insufficient to determine the role of this variant in disease. Therefore, it has been classified as a Variant of Uncertain Significance.

OMIM
Classification: Pathogenic for RETINITIS PIGMENTOSA 10. Last evaluated: 2002-03-01. Review status: no assertion criteria provided. Collection method: literature only. Allele origin: germline. Not counted in ClinVar's aggregate classification.

Literature cited by the submitters: PubMed 11875050 (cited by Labcorp Genetics (formerly Invitae), Labcorp and OMIM); PubMed 15882147 (cited by Labcorp Genetics (formerly Invitae), Labcorp).